The following is an entry in ClinVar:

ClinVar aggregate classification (germline): Likely benign (1 of 4 stars; one submission).

Conditions:
Telangiectasia, hereditary hemorrhagic, type 1 (HHT1). Also called: Osler Weber Rendu syndrome type 1; ENG-Related Hereditary Hemorrhagic Telangiectasia. Identifiers: Orphanet 774, MedGen C4551861, MONDO:0008535, OMIM 187300. Disease mechanism: loss of function.

Allele frequency attached by ClinVar (database versions not stated): gnomAD 0.00020 and 0.00030; 1000 Genomes Project 0.00120; 1000 Genomes Project 30x 0.00156; TOPMed 0.00031.

Submission:

Illumina Laboratory Services, Illumina
Classification: Likely benign for Telangiectasia, hereditary hemorrhagic, type 1. Last evaluated: 2018-01-13. Review status: criteria provided, single submitter. Criteria: ICSL Variant Classification Criteria 13 December 2019. Collection method: clinical testing. Allele origin: germline.
Comment: This variant was observed in the ICSL laboratory as part of a predisposition screen in an ostensibly healthy population. It had not been previously curated by ICSL or reported in the Human Gene Mutation Database (HGMD: prior to June 1st, 2018), and was therefore a candidate for classification through an automated scoring system. Utilizing variant allele frequency, disease prevalence and penetrance estimates, and inheritance mode, an automated score was calculated to assess if this variant is too frequent to cause the disease. Based on the score and internal cut-off values, a variant classified as likely benign is not then subjected to further curation. The score for this variant resulted in a classification of likely benign for this disease.

NM_000118.3(ENG):c.-343C>T

Gene: ENG (endoglin; minus strand). Cytogenetic location: 9q34.11.
Variant type: single nucleotide variant.
Coding change: c.-343C>T on transcript NM_000118.3; 343 bases upstream of the start codon, C replaced by T.
Genome position (GRCh38, 1-based): chr9:127,854,698, G>A on the plus strand (C>T on the coding strand, the complement: ENG is on the minus strand). VCF-style: chr9-127854698-G-A. GRCh37 (hg19) VCF-style: chr9-130616977-G-A.
Other names: c.-343C>T (NM_001114753.2).
Identifiers: ClinVar variation 365108 (VCV000365108.7), dbSNP rs543301425, ClinGen allele CA10626471.